The following is an entry in ClinVar:

ClinVar aggregate classification (germline): Uncertain significance (1 of 4 stars; one submission).

Conditions:
LAMB3-related disorder. Also called: LAMB3-related condition.

gnomAD v4.1: 28 of 1,613,384 alleles (0.0017%); highest among the groups gnomAD compares: African/African-American, 0.019%; no homozygotes.

Submission:

PreventionGenetics, part of Exact Sciences
Classification: Uncertain significance for LAMB3-related condition. Last evaluated: 2026-02-22. Review status: criteria provided, single submitter. Criteria: ACMG Guidelines, 2015. Collection method: clinical testing. Allele origin: germline.
Comment: The LAMB3 c.1508G>A variant is predicted to result in the amino acid substitution p.Arg503Gln. To our knowledge, this variant has not been reported in the literature. This variant is reported in 0.0081% of alleles in individuals of African descent in gnomAD. At this time, the clinical significance of this variant is uncertain due to the absence of conclusive functional and genetic evidence.

NM_000228.3(LAMB3):c.1508G>A (p.Arg503Gln)

Gene: LAMB3 (laminin subunit beta 3; minus strand). Cytogenetic location: 1q32.2.
Variant type: single nucleotide variant.
Coding change: c.1508G>A on transcript NM_000228.3 (MANE Select); coding-DNA position 1508, G replaced by A.
Protein change: p.Arg503Gln; replaces arginine 503 with glutamine.
Molecular consequence: missense variant.
Genome position (GRCh38, 1-based): chr1:209,626,956, C>T on the plus strand (G>A on the coding strand, the complement: LAMB3 is on the minus strand). VCF-style: chr1-209626956-C-T. GRCh37 (hg19) VCF-style: chr1-209800301-C-T.
Other names: c.1508G>A, p.Arg503Gln (NM_001017402.2, NM_001127641.1); short protein forms R503Q.
Identifiers: ClinVar variation 4993512 (VCV004993512.1).